The following is an entry in ClinVar:

NM_007348.4(ATF6):c.1534-12_1534-11del

Gene: ATF6 (activating transcription factor 6; plus strand). Cytogenetic location: 1q23.3.
Variant type: Deletion.
Coding change: c.1534-12_1534-11del on transcript NM_007348.4 (MANE Select); 12 bases into the intron before coding-DNA position 1534 through 11 bases into the intron before coding-DNA position 1534, 2 bases deleted (TT; older notation c.1534-12_1534-11delTT).
Molecular consequence: intron variant.
Genome position (GRCh38, 1-based): chr1:161,860,195-161,860,196, TT deleted; deleting any 2 consecutive bases within chr1:161,860,184-161,860,196 gives the same sequence; the c. name uses the placement nearest the transcript's 3' end. VCF-style (leftmost placement, unchanged base first): chr1-161860183-CTT-C. GRCh37 (hg19) VCF-style: chr1-161829973-CTT-C.
Other names: c.1534-12_1534-11del (NM_001410890.1).
Identifiers: ClinVar variation 3044887 (VCV003044887.2), dbSNP rs575629390, ClinGen allele CA1214518.

ClinVar aggregate classification (germline): Likely benign (0 of 4 stars; one submission).

Conditions:
ATF6-related disorder. Also called: ATF6-related condition.

Submission:

PreventionGenetics, part of Exact Sciences
Classification: Likely benign for ATF6-related condition. Last evaluated: 2021-06-23. Review status: no assertion criteria provided. Collection method: clinical testing. Allele origin: germline.
Comment: This variant is classified as likely benign based on ACMG/AMP sequence variant interpretation guidelines (Richards et al. 2015 PMID: 25741868, with internal and published modifications).